The following is an entry in ClinVar:

NM_016507.4(CDK12):c.3311T>G (p.Leu1104Arg)

Gene: CDK12 (cyclin dependent kinase 12; plus strand). Cytogenetic location: 17q12.
Variant type: single nucleotide variant.
Coding change: c.3311T>G on transcript NM_016507.4 (MANE Select); coding-DNA position 3311, T replaced by G.
Protein change: p.Leu1104Arg; replaces leucine 1104 with arginine.
Molecular consequence: missense variant.
Genome position (GRCh38, 1-based): chr17:39,525,867, T>G. VCF-style: chr17-39525867-T-G. GRCh37 (hg19) VCF-style: chr17-37682120-T-G.
Other names: c.3311T>G, p.Leu1104Arg (NM_015083.4); short protein forms L1104R.
Identifiers: ClinVar variation 3830684 (VCV003830684.1).

ClinVar aggregate classification (germline): Uncertain significance (1 of 4 stars; one submission).

gnomAD v4.1: 3 of 1,613,092 alleles (0.00019%); highest among the groups gnomAD compares: Non-Finnish European, 0.00025%; no homozygotes.

Submission:

Ambry Genetics
Classification: Uncertain significance. Last evaluated: 2025-02-19. Review status: criteria provided, single submitter. Criteria: Ambry Variant Classification Scheme 2023. Collection method: clinical testing. Allele origin: germline.
Comment: The p.L1104R variant (also known as c.3311T>G), located in coding exon 13 of the CDK12 gene, results from a T to G substitution at nucleotide position 3311. The leucine at codon 1104 is replaced by arginine, an amino acid with dissimilar properties. This amino acid position is conserved. In addition, this alteration is predicted to be deleterious by in silico analysis. Based on the available evidence, the clinical significance of this variant remains unclear.